The following is an entry in ClinVar:

NM_004360.5(CDH1):c.-7G>A

Gene: CDH1 (cadherin 1; plus strand). Cytogenetic location: 16q22.1.
Variant type: single nucleotide variant.
Coding change: c.-7G>A on transcript NM_004360.5 (MANE Select); 7 bases upstream of the start codon, G replaced by A.
Molecular consequence: 5 prime UTR variant.
Genome position (GRCh38, 1-based): chr16:68,737,409, G>A. VCF-style: chr16-68737409-G-A. GRCh37 (hg19) VCF-style: chr16-68771312-G-A.
Other names: c.-7G>A (NM_001317184.2); c.-1622G>A (NM_001317185.2); c.-1826G>A (NM_001317186.2).
Identifiers: ClinVar variation 3076087 (VCV003076087.1), dbSNP rs2152113935, ClinGen allele CA2633898181.
Genomic context (GRCh38, chr16:68,737,409, plus strand): 5'-CCCGCTCCAGCCCGGCCCGACCCGACCGCACCCGGCGCCTGCCCTCGCTCGGCGTCCCCG[G>A]CCAGCCATGGGCCCTTGGAGCCGCAGCCTCTCGGCGCTGCTGCTGCTGCTGCAGGTACCC-3'

ClinVar aggregate classification (germline): Uncertain significance (1 of 4 stars; one submission).

Conditions:
Hereditary cancer-predisposing syndrome. Also called: Neoplastic Syndromes, Hereditary; Tumor predisposition; Hereditary neoplastic syndrome; Hereditary Cancer Syndrome. Identifiers: Orphanet 140162, MedGen C0027672, MeSH D009386, MONDO:0015356.

Submission:

Ambry Genetics
Classification: Uncertain significance for Hereditary cancer-predisposing syndrome. Last evaluated: 2015-07-24. Review status: criteria provided, single submitter. Criteria: Ambry Variant Classification Scheme 2023. Collection method: clinical testing. Allele origin: germline.
Comment: The c.-7G>A alteration is located in the 5' untranslated region (5'UTR) of the CDH1 gene. This alteration consists of a G to A substitution nucleotides upstream from the first translated codon. Based on insufficient or conflicting evidence, the clinical significance of this alteration remains unclear.